The following is an entry in ClinVar:

ClinVar aggregate classification (germline): Likely benign. Review status: criteria provided, single submitter (1 of 4 stars). 2 submissions from 2 submitters: Likely benign (1). 1 of the submissions does not count toward it. Last evaluated 2022-04-01.

Conditions:
CUX2-related disorder. Also called: CUX2-related condition.

Allele frequency attached by ClinVar (database versions not stated): gnomAD exomes 0.00013; gnomAD 0.00015; ExAC 0.00020.
gnomAD v4.1: 87 of 1,539,458 alleles (0.0057%); highest among the groups gnomAD compares: South Asian, 0.064%; 1 homozygote.

Submissions (2):

CeGaT Center for Human Genetics Tuebingen
Classification: Likely benign. Last evaluated: 2022-04-01. Review status: criteria provided, single submitter. Criteria: CeGaT Center For Human Genetics Tuebingen Variant Classification Criteria Version 2. Collection method: clinical testing. Allele origin: germline. Affected: yes. Observed: 1 variant allele.
Comment: CUX2: BP4, BP7

PreventionGenetics, part of Exact Sciences
Classification: Likely benign for CUX2-related condition. Last evaluated: 2019-06-06. Review status: no assertion criteria provided. Collection method: clinical testing. Allele origin: germline. Not counted in ClinVar's aggregate classification.
Comment: This variant is classified as likely benign based on ACMG/AMP sequence variant interpretation guidelines (Richards et al. 2015 PMID: 25741868, with internal and published modifications).

NM_015267.4(CUX2):c.78C>T (p.Ser26=)

Gene: CUX2 (cut like homeobox 2; plus strand). Cytogenetic location: 12q24.11.
Variant type: single nucleotide variant.
Coding change: c.78C>T on transcript NM_015267.4 (MANE Select); coding-DNA position 78, C replaced by T.
Protein change: p.Ser26=; no amino-acid change (serine 26 retained).
Molecular consequence: synonymous variant. On other transcripts: 5 prime UTR variant (1).
Genome position (GRCh38, 1-based): chr12:111,214,214, C>T. VCF-style: chr12-111214214-C-T. GRCh37 (hg19) VCF-style: chr12-111652018-C-T.
Other names: c.-109C>T (NM_001370598.1); c.78C>T (NM_015267.3).
Identifiers: ClinVar variation 1694674 (VCV001694674.32), dbSNP rs778761089, ClinGen allele CA6788227.
Genomic context (GRCh38, chr12:111,214,214, plus strand): 5'-TTTTCTTTTCTCTCTCTCTCTTTTTTTTTTTTTTTTATTGTTCCAGAAGGAGCTTAATTC[C>T]GTCGCTTCTGAGCTGTCTGCACGGCAGGAGGAGAGTGAACATTCTCATAAACATTTAATT-3'
Protein context (NP_056082.2, residues 16-36): DLRRLQKELN[Ser26=]VASELSARQE